The following is an entry in ClinVar:

ClinVar aggregate classification (germline): Pathogenic (1 of 4 stars; one submission).

Submission:

ISCA site 4
Classification: Pathogenic. Last evaluated: 2011-08-12. Review status: criteria provided, single submitter. Criteria: Kaminsky et al. (Genet Med. 2011). Collection method: clinical testing. Allele origin: unknown. Affected: yes. Observed: 1 variant allele.
Comment: Copy number variation identified through the course of routine clinical cytogenomic testing in postnatal populations. Clinical assertions have been curated as described in Kaminsky et al. 2011.

GRCh38/hg38 17p13.3(chr17:847955-1589181)x3

Genes: ABR (ABR activator of RhoGEF and GTPase; minus strand), ABR-AS1 (ABR antisense RNA 1; plus strand), BHLHA9 (basic helix-loop-helix family member a9; plus strand), CRK (CRK proto-oncogene, adaptor protein; minus strand), CRK-AS1 (CRK antisense RNA 1; plus strand) and 40 more. Cytogenetic location: 17p13.3.
Variant type: copy number gain.
Change: copy number 3 (three copies instead of two) of chr17:847,955-1,589,181 (741.2 kb, GRCh38 coordinates, 1-based), cytogenetic band 17p13.3.
Identifiers: ClinVar variation 57358 (VCV000057358.1).